The following is an entry in ClinVar:

ClinVar aggregate classification (germline): Uncertain significance (1 of 4 stars; one submission).

Submission:

GeneDx
Classification: Uncertain significance. Last evaluated: 2019-10-12. Review status: criteria provided, single submitter. Criteria: GeneDx Variant Classification Process June 2021. Collection method: clinical testing. Allele origin: germline. Affected: yes.
Comment: Not observed in large population cohorts (Lek et al., 2016); In silico analysis, which includes protein predictors and evolutionary conservation, supports that this variant does not alter protein structure/function; Has not been previously published as pathogenic or benign to our knowledge; Variants in candidate genes are classified as variants of uncertain significance in accordance with ACMG guidelines (Richards et al., 2015)

NM_005909.5(MAP1B):c.7184A>T (p.Glu2395Val)

Gene: MAP1B (microtubule associated protein 1B; plus strand). Cytogenetic location: 5q13.2.
Variant type: single nucleotide variant.
Coding change: c.7184A>T on transcript NM_005909.5 (MANE Select); coding-DNA position 7184, A replaced by T.
Protein change: p.Glu2395Val; replaces glutamic acid 2395 with valine.
Molecular consequence: missense variant.
Genome position (GRCh38, 1-based): chr5:72,203,734, A>T. VCF-style: chr5-72203734-A-T. GRCh37 (hg19) VCF-style: chr5-71499561-A-T.
Other names: c.6806A>T, p.Glu2269Val (NM_001324255.2); short protein forms E2269V, E2395V.
Identifiers: ClinVar variation 1309013 (VCV001309013.2), dbSNP rs2111901111, ClinGen allele CA359980290.